The following is an entry in ClinVar:

ClinVar aggregate classification (germline): Uncertain significance (1 of 4 stars; one submission).

Conditions:
Intellectual disability. Also called: Intellectual functioning disability; intellectual disabilities; Intellectual developmental disorder. Identifiers: MedGen C3714756, MeSH D008607, MONDO:0001071, HP:0001249.

Submission:

Labcorp Genetics (formerly Invitae), Labcorp
Classification: Uncertain significance for Intellectual disability. Last evaluated: 2022-07-25. Review status: criteria provided, single submitter. Criteria: Invitae Variant Classification Sherloc (09022015). Collection method: clinical testing. Allele origin: germline.
Comment: This sequence change creates a premature translational stop signal (p.Met33Ilefs*12) in the GABRB2 gene. It is expected to result in an absent or disrupted protein product. However, the current clinical and genetic evidence is not sufficient to establish whether loss-of-function variants in GABRB2 cause disease. This variant is not present in population databases (gnomAD no frequency). This variant has not been reported in the literature in individuals affected with GABRB2-related conditions. In summary, the available evidence is currently insufficient to determine the role of this variant in disease. Therefore, it has been classified as a Variant of Uncertain Significance.

NM_001371727.1(GABRB2):c.99del (p.Met33fs)

Gene: GABRB2 (gamma-aminobutyric acid type A receptor subunit beta2; minus strand). Cytogenetic location: 5q34.
Variant type: Deletion.
Coding change: c.99del on transcript NM_001371727.1 (MANE Select); coding-DNA position 99, one base deleted (G; older notation c.99delG).
Protein change: p.Met33fs; shifts the reading frame from methionine 33.
Molecular consequence: frameshift variant.
Genome position (GRCh38, 1-based): chr5:161,546,392, C deleted on the plus strand (G on the coding strand, the reverse complement: GABRB2 is on the minus strand). VCF-style (leftmost placement, unchanged base first): chr5-161546391-AC-A. GRCh37 (hg19) VCF-style: chr5-160973397-AC-A.
Other names: c.99del, p.Met33fs (NM_000813.3, NM_021911.3); short protein forms M33fs.
Identifiers: ClinVar variation 2007775 (VCV002007775.4), dbSNP rs2480169543, ClinGen allele CA2580073977.